The following is an entry in ClinVar:

ClinVar aggregate classification (germline): Uncertain significance (1 of 4 stars; one submission).

Conditions:
Galactosylceramide beta-galactosidase deficiency. Also called: Leukodystrophy, Globoid Cell; Krabbe Disease; GALACTOCEREBROSIDASE DEFICIENCY; GALC DEFICIENCY; GLOBOID CELL LEUKOENCEPHALOPATHY. Identifiers: Orphanet 487, MedGen C0023521, MONDO:0009499, OMIM 245200.

Submission:

Labcorp Genetics (formerly Invitae), Labcorp
Classification: Uncertain significance for Galactosylceramide beta-galactosidase deficiency. Last evaluated: 2025-12-01. Review status: criteria provided, single submitter. Criteria: Invitae Variant Classification Sherloc (09022015). Collection method: clinical testing. Allele origin: germline.
Comment: This sequence change replaces leucine, which is neutral and non-polar, with serine, which is neutral and polar, at codon 279 of the GALC protein (p.Leu279Ser). This variant is not present in population databases (gnomAD no frequency). This variant has not been reported in the literature in individuals affected with GALC-related conditions. Invitae Evidence Modeling of protein sequence and biophysical properties (such as structural, functional, and spatial information, amino acid conservation, physicochemical variation, residue mobility, and thermodynamic stability) indicates that this missense variant is not expected to disrupt GALC protein function with a negative predictive value of 95%. In summary, the available evidence is currently insufficient to determine the role of this variant in disease. Therefore, it has been classified as a Variant of Uncertain Significance.

NM_000153.4(GALC):c.836T>C (p.Leu279Ser)

Gene: GALC (galactosylceramidase; minus strand). Cytogenetic location: 14q31.3.
Variant type: single nucleotide variant.
Coding change: c.836T>C on transcript NM_000153.4 (MANE Select); coding-DNA position 836, T replaced by C.
Protein change: p.Leu279Ser; replaces leucine 279 with serine.
Molecular consequence: missense variant. On other transcripts: non-coding transcript variant (1).
Genome position (GRCh38, 1-based): chr14:87,968,407, A>G on the plus strand (T>C on the coding strand, the complement: GALC is on the minus strand). VCF-style: chr14-87968407-A-G. GRCh37 (hg19) VCF-style: chr14-88434751-A-G.
Other names: c.767T>C, p.Leu256Ser (NM_001201401.2); c.758T>C, p.Leu253Ser (NM_001201402.2); c.668T>C, p.Leu223Ser (NM_001424071.1, NM_001424072.1, NM_001424073.1); c.488T>C, p.Leu163Ser (NM_001424074.1, NM_001424075.1); c.203T>C, p.Leu68Ser (NM_001424076.1, NM_001424077.1); short protein forms L163S, L223S, L253S, L256S, L279S, L68S.
Identifiers: ClinVar variation 4802020 (VCV004802020.1).